The following is an entry in ClinVar:

ClinVar aggregate classification (germline): Uncertain significance (1 of 4 stars; one submission).

Allele frequency attached by ClinVar (database versions not stated): gnomAD 0.00001; TOPMed 0.00001; ExAC 0.00003.
gnomAD v4.1: 17 of 1,613,768 alleles (0.0011%); highest among the groups gnomAD compares: Middle Eastern, 0.016%; no homozygotes.

Submission:

Labcorp Genetics (formerly Invitae), Labcorp
Classification: Uncertain significance. Last evaluated: 2024-10-30. Review status: criteria provided, single submitter. Criteria: Invitae Variant Classification Sherloc (09022015). Collection method: clinical testing. Allele origin: germline.
Comment: This sequence change replaces arginine, which is basic and polar, with tryptophan, which is neutral and slightly polar, at codon 94 of the ROR2 protein (p.Arg94Trp). This variant is present in population databases (rs756830208, gnomAD 0.007%). This variant has not been reported in the literature in individuals affected with ROR2-related conditions. ClinVar contains an entry for this variant (Variation ID: 1929727). Invitae Evidence Modeling of protein sequence and biophysical properties (such as structural, functional, and spatial information, amino acid conservation, physicochemical variation, residue mobility, and thermodynamic stability) indicates that this missense variant is not expected to disrupt ROR2 protein function with a negative predictive value of 95%. In summary, the available evidence is currently insufficient to determine the role of this variant in disease. Therefore, it has been classified as a Variant of Uncertain Significance.

NM_004560.4(ROR2):c.280C>T (p.Arg94Trp)

Gene: ROR2 (receptor tyrosine kinase like orphan receptor 2; minus strand). Cytogenetic location: 9q22.31.
Variant type: single nucleotide variant.
Coding change: c.280C>T on transcript NM_004560.4 (MANE Select); coding-DNA position 280, C replaced by T.
Protein change: p.Arg94Trp; replaces arginine 94 with tryptophan.
Molecular consequence: missense variant.
Genome position (GRCh38, 1-based): chr9:91,757,455, G>A on the plus strand (C>T on the coding strand, the complement: ROR2 is on the minus strand). VCF-style: chr9-91757455-G-A. GRCh37 (hg19) VCF-style: chr9-94519737-G-A.
Other names: c.280C>T, p.Arg94Trp (NM_001318204.2); short protein forms R94W.
Identifiers: ClinVar variation 1929727 (VCV001929727.5), dbSNP rs756830208, ClinGen allele CA5121071.